The following is an entry in ClinVar:

NM_005068.3(SIM1):c.1434C>T (p.Phe478=)

Genes: SIM1 (SIM bHLH transcription factor 1; minus strand), SIM1-AS1 (SIM1 antisense RNA 1; plus strand). Cytogenetic location: 6q16.3.
Variant type: single nucleotide variant.
Coding change: c.1434C>T on transcript NM_005068.3 (MANE Select); coding-DNA position 1434, C replaced by T.
Protein change: p.Phe478=; no amino-acid change (phenylalanine 478 retained).
Molecular consequence: synonymous variant. On other transcripts: non-coding transcript variant (1).
Genome position (GRCh38, 1-based): chr6:100,393,623, G>A on the plus strand (C>T on the coding strand, the complement: SIM1 is on the minus strand). VCF-style: chr6-100393623-G-A. GRCh37 (hg19) VCF-style: chr6-100841499-G-A.
Other names: c.1434C>T, p.Phe478= (NM_001374769.1).
Identifiers: ClinVar variation 5000764 (VCV005000764.1).

ClinVar aggregate classification (germline): Likely benign (1 of 4 stars; one submission).

Conditions:
SIM1-related disorder. Also called: SIM1-related disorders; SIM1-related condition.

gnomAD v4.1: 1 of 1,614,176 alleles (0.000062%); highest among the groups gnomAD compares: Non-Finnish European, 0.000085%; no homozygotes.

Submission:

PreventionGenetics, part of Exact Sciences
Classification: Likely benign for SIM1-related condition. Last evaluated: 2025-07-20. Review status: criteria provided, single submitter. Criteria: ACMG Guidelines, 2015. Collection method: clinical testing. Allele origin: germline.
Comment: This variant is classified as likely benign based on ACMG/AMP sequence variant interpretation guidelines (Richards et al. 2015 PMID: 25741868, with internal and published modifications).